The following is an entry in ClinVar:

NM_024408.4(NOTCH2):c.4169A>G (p.His1390Arg)

Gene: NOTCH2 (notch receptor 2; minus strand). Cytogenetic location: 1p12.
Variant type: single nucleotide variant.
Coding change: c.4169A>G on transcript NM_024408.4 (MANE Select); coding-DNA position 4169, A replaced by G.
Protein change: p.His1390Arg; replaces histidine 1390 with arginine.
Molecular consequence: missense variant.
Genome position (GRCh38, 1-based): chr1:119,925,647, T>C on the plus strand (A>G on the coding strand, the complement: NOTCH2 is on the minus strand). VCF-style: chr1-119925647-T-C. GRCh37 (hg19) VCF-style: chr1-120468270-T-C.
Other names: c.4169A>G (NM_024408.3); short protein forms H1390R.
Identifiers: ClinVar variation 593827 (VCV000593827.18), dbSNP rs373035180, ClinGen allele CA1039901.

ClinVar aggregate classification (germline): Uncertain significance. Review status: criteria provided, multiple submitters, no conflicts (2 of 4 stars). 6 submissions from 6 submitters: Uncertain significance (5). 1 of the submissions does not count toward it. Last evaluated 2025-01-12.

Conditions:
NOTCH2-related disorder. Also called: NOTCH2-related condition.
Inborn genetic diseases. Identifiers: MedGen C0950123, MeSH D030342.
Hajdu-Cheney syndrome (HJCYS). Also called: SERPENTINE FIBULA-POLYCYSTIC KIDNEY SYNDROME; ACROOSTEOLYSIS WITH OSTEOPOROSIS AND CHANGES IN SKULL AND MANDIBLE; Acroosteolysis dominant type. Identifiers: Orphanet 955, MedGen C0917715, MONDO:0007057, OMIM 102500.
Alagille syndrome due to a NOTCH2 point mutation. Also called: Alagille syndrome 2. Identifiers: Orphanet 261629, Orphanet 52, MedGen C1857761, MONDO:0012439, OMIM 610205.

Allele frequency attached by ClinVar (database versions not stated): ExAC 0.00002; gnomAD exomes 0.00002 and 0.00005; TOPMed 0.00003; gnomAD 0.00006; ESP Exome Variant Server 0.00015.
gnomAD v4.1: 86 of 1,611,924 alleles (0.0053%); highest among the groups gnomAD compares: Non-Finnish European, 0.0068%; no homozygotes.

Submissions (6):

Labcorp Genetics (formerly Invitae), Labcorp
Classification: Uncertain significance for Hajdu-Cheney syndrome. Last evaluated: 2025-01-12. Review status: criteria provided, single submitter. Criteria: Invitae Variant Classification Sherloc (09022015). Collection method: clinical testing. Allele origin: germline.
Comment: This sequence change replaces histidine, which is basic and polar, with arginine, which is basic and polar, at codon 1390 of the NOTCH2 protein (p.His1390Arg). This variant is present in population databases (rs373035180, gnomAD 0.006%). This variant has not been reported in the literature in individuals affected with NOTCH2-related conditions. ClinVar contains an entry for this variant (Variation ID: 593827). Invitae Evidence Modeling of protein sequence and biophysical properties (such as structural, functional, and spatial information, amino acid conservation, physicochemical variation, residue mobility, and thermodynamic stability) indicates that this missense variant is not expected to disrupt NOTCH2 protein function with a negative predictive value of 80%. In summary, the available evidence is currently insufficient to determine the role of this variant in disease. Therefore, it has been classified as a Variant of Uncertain Significance.

Fulgent Genetics
Classification: Uncertain significance for Hajdu-Cheney syndrome; Alagille syndrome due to a NOTCH2 point mutation. Last evaluated: 2024-06-10. Review status: criteria provided, single submitter. Criteria: ACMG Guidelines, 2015. Collection method: clinical testing. Allele origin: germline.

Ambry Genetics
Classification: Uncertain significance for Inborn genetic diseases. Last evaluated: 2022-09-06. Review status: criteria provided, single submitter. Criteria: Ambry Variant Classification Scheme 2023. Collection method: clinical testing. Allele origin: germline.

Revvity Omics, Revvity
Classification: Uncertain significance. Last evaluated: 2020-07-21. Review status: criteria provided, single submitter. Criteria: ACMG Guidelines, 2015. Collection method: clinical testing. Allele origin: germline.

Eurofins Ntd Llc (ga)
Classification: Uncertain significance. Last evaluated: 2017-08-25. Review status: criteria provided, single submitter. Criteria: EGL Classification Definitions 2015. Collection method: clinical testing. Allele origin: germline. Observed: 1 variant allele, 1 heterozygote.

PreventionGenetics, part of Exact Sciences
Classification: Uncertain significance for NOTCH2-related condition. Last evaluated: 2023-12-06. Review status: no assertion criteria provided. Collection method: clinical testing. Allele origin: germline. Not counted in ClinVar's aggregate classification.
Comment: The NOTCH2 c.4169A>G variant is predicted to result in the amino acid substitution p.His1390Arg. To our knowledge, this variant has not been reported in the literature. This variant is reported in 0.0047% of alleles in individuals of European (Non-Finnish) descent in gnomAD. At this time, the clinical significance of this variant is uncertain due to the absence of conclusive functional and genetic evidence.